The following is an entry in ClinVar:

ClinVar aggregate classification (germline): Uncertain significance (1 of 4 stars; one submission).

gnomAD v4.1: 1 of 1,536,594 alleles (0.000065%); highest among the groups gnomAD compares: Non-Finnish European, 0.000087%; no homozygotes.

Submission:

GeneDx
Classification: Uncertain significance. Last evaluated: 2026-02-19. Review status: criteria provided, single submitter. Criteria: GeneDx Variant Classification Process June 2021. Collection method: clinical testing. Allele origin: germline.
Comment: Not observed at significant frequency in large population cohorts (gnomAD); In silico analysis suggests that this missense variant does not alter protein structure/function; Has not been previously published as pathogenic or benign to our knowledge

NM_001379403.1(WDR26):c.650A>C (p.Lys217Thr)

Gene: WDR26 (WD repeat domain 26; minus strand). Cytogenetic location: 1q42.12.
Variant type: single nucleotide variant.
Coding change: c.650A>C on transcript NM_001379403.1 (MANE Select); coding-DNA position 650, A replaced by C.
Protein change: p.Lys217Thr; replaces lysine 217 with threonine.
Molecular consequence: missense variant.
Genome position (GRCh38, 1-based): chr1:224,433,756, T>G on the plus strand (A>C on the coding strand, the complement: WDR26 is on the minus strand). VCF-style: chr1-224433756-T-G. GRCh37 (hg19) VCF-style: chr1-224621458-T-G.
Other names: c.350A>C, p.Lys117Thr (NM_001115113.3, NM_025160.7); short protein forms K117T, K217T.
Identifiers: ClinVar variation 4888031 (VCV004888031.1).
Genomic context (GRCh38, chr1:224,433,756, plus strand): 5'-CCATTCAAGTGCTGTCCTATTAGCCTAATGACATCCTCATCTGACTGGGAGAGCCGCTTC[T>G]TCTTCTTGAGGCTGCTGCCCAGTTCTGGGGTGGCCAAGGAAGAGGAGGCGGCGGTGGTGG-3'
Protein context (NP_001366332.1, residues 207-227): TPELGSSLKK[Lys217Thr]KRLSQSDEDV